The following is an entry in ClinVar:

ClinVar aggregate classification (germline): Conflicting classifications of pathogenicity. Review status: criteria provided, conflicting classifications (1 of 4 stars). 2 submissions from 2 submitters: Uncertain significance (1); Benign (1). Last evaluated 2022-10-01.

Allele frequency attached by ClinVar (database versions not stated): TOPMed 0.00574; 1000 Genomes Project 30x 0.00250; 1000 Genomes Project 0.00280; gnomAD exomes 0.00842; ESP Exome Variant Server 0.00854; gnomAD 0.00638 and 0.00656.
gnomAD v4.1: 12,650 of 1,538,402 alleles (0.82%); highest among the groups gnomAD compares: Non-Finnish European, 0.89%; 71 homozygotes.

Submissions (2):

CeGaT Center for Human Genetics Tuebingen
Classification: Benign. Last evaluated: 2022-10-01. Review status: criteria provided, single submitter. Criteria: CeGaT Center For Human Genetics Tuebingen Variant Classification Criteria Version 2. Collection method: clinical testing. Allele origin: germline. Affected: yes. Observed: 2 variant alleles.
Comment: C1QTNF5: BS1, BS2

Breakthrough Genomics
Classification: Uncertain significance. Review status: criteria provided, single submitter. Criteria: ACMG Guidelines, 2015. Collection method: not provided. Allele origin: germline. Inheritance: Autosomal recessive inheritance. Affected: yes.

NM_015645.5(C1QTNF5):c.-2701G>A

Genes: C1QTNF5 (C1q and TNF related 5; minus strand), MFRP (membrane frizzled-related protein; minus strand). Cytogenetic location: 11q23.3.
Variant type: single nucleotide variant.
Coding change: c.-2701G>A on transcript NM_015645.5; 2701 bases upstream of the start codon, G replaced by A.
Molecular consequence: 5 prime UTR variant.
Genome position (GRCh38, 1-based): chr11:119,346,578, C>T on the plus strand (G>A on the coding strand, the complement: C1QTNF5 is on the minus strand). VCF-style: chr11-119346578-C-T. GRCh37 (hg19) VCF-style: chr11-119217288-C-T.
Other names: c.-65G>A (NM_031433.4).
Identifiers: ClinVar variation 302986 (VCV000302986.35), dbSNP rs883246, ClinGen allele CA10637498.